The following is an entry in ClinVar:

NM_024529.5(CDC73):c.1549A>G (p.Thr517Ala)

Gene: CDC73 (cell division cycle 73; plus strand). Cytogenetic location: 1q31.2.
Variant type: single nucleotide variant.
Coding change: c.1549A>G on transcript NM_024529.5 (MANE Select); coding-DNA position 1549, A replaced by G.
Protein change: p.Thr517Ala; replaces threonine 517 with alanine.
Molecular consequence: missense variant.
Genome position (GRCh38, 1-based): chr1:193,249,861, A>G. VCF-style: chr1-193249861-A-G. GRCh37 (hg19) VCF-style: chr1-193218991-A-G.
Other names: short protein forms T517A.
Identifiers: ClinVar variation 1774990 (VCV001774990.2), dbSNP rs2527524066, ClinGen allele CA344078640.

ClinVar aggregate classification (germline): Uncertain significance (1 of 4 stars; one submission).

Conditions:
Hereditary cancer-predisposing syndrome. Also called: Hereditary Cancer Syndrome; Hereditary neoplastic syndrome; Neoplastic Syndromes, Hereditary; Tumor predisposition. Identifiers: Orphanet 140162, MedGen C0027672, MeSH D009386, MONDO:0015356.

Submission:

Ambry Genetics
Classification: Uncertain significance for Hereditary cancer-predisposing syndrome. Last evaluated: 2021-01-07. Review status: criteria provided, single submitter. Criteria: Ambry Variant Classification Scheme 2023. Collection method: clinical testing. Allele origin: germline.
Comment: The p.T517A variant (also known as c.1549A>G), located in coding exon 16 of the CDC73 gene, results from an A to G substitution at nucleotide position 1549. The threonine at codon 517 is replaced by alanine, an amino acid with similar properties. This amino acid position is highly conserved in available vertebrate species. In addition, the in silico prediction for this alteration is inconclusive. Since supporting evidence is limited at this time, the clinical significance of this alteration remains unclear.